The following is an entry in ClinVar:

NM_003238.6(TGFB2):c.932+1G>A

Gene: TGFB2 (transforming growth factor beta 2; plus strand). Cytogenetic location: 1q41.
Variant type: single nucleotide variant.
Coding change: c.932+1G>A on transcript NM_003238.6 (MANE Select); the canonical splice donor site of the intron after coding-DNA position 932, G replaced by A.
Molecular consequence: splice donor variant.
Genome position (GRCh38, 1-based): chr1:218,436,148, G>A. VCF-style: chr1-218436148-G-A. GRCh37 (hg19) VCF-style: chr1-218609490-G-A.
Other names: c.1016+1G>A (NM_001135599.4).
Identifiers: ClinVar variation 449107 (VCV000449107.3), dbSNP rs1553303221, ClinGen allele CA344727376.

ClinVar aggregate classification (germline): Pathogenic/Likely pathogenic. Review status: criteria provided, multiple submitters, no conflicts (2 of 4 stars). 2 submissions from 2 submitters: Pathogenic (1); Likely pathogenic (1). Last evaluated 2025-10-22.

Conditions:
Loeys-Dietz syndrome 4 (LDS4). Also called: ANEURYSM, AORTIC AND CEREBRAL, WITH ARTERIAL TORTUOSITY AND SKELETAL MANIFESTATIONS; TGFB2-Related Loeys-Dietz Syndrome. Identifiers: MedGen C3553762, MONDO:0013897, OMIM 614816.

Submissions (2):

Institute of Human Genetics, Cologne University
Classification: Likely pathogenic for Loeys-Dietz syndrome 4. Last evaluated: 2025-10-22. Review status: criteria provided, single submitter. Criteria: ACMG Guidelines, 2015. Collection method: clinical testing. Allele origin: germline. Affected: yes.

GeneDx
Classification: Pathogenic. Last evaluated: 2017-07-19. Review status: criteria provided, single submitter. Criteria: GeneDx Variant Classification (06012015). Collection method: clinical testing. Allele origin: germline. Affected: yes.
Comment: The c.932+1G>A variant in the TGFB2 gene has not been reported previously as a pathogenic variant nor as a benign variant, to our knowledge. This splice site variant destroys the canonical splice donor site in intron 5. It is predicted to cause abnormal gene splicing, either leading to an abnormal message that is subject to nonsense-mediated mRNA decay, or to an abnormal protein product if the message is used for protein translation. The c.932+1G>A variant is not observed in large population cohorts (Lek et al., 2016; 1000 Genomes Consortium et al., 2015; Exome Variant Server). We interpret c.932+1G>A as a pathogenic variant.